The following is an entry in ClinVar:

ClinVar aggregate classification (germline): Uncertain significance (1 of 4 stars; one submission).

Conditions:
Hereditary cancer-predisposing syndrome. Also called: Hereditary Cancer Syndrome; Hereditary neoplastic syndrome; Tumor predisposition; Neoplastic Syndromes, Hereditary. Identifiers: Orphanet 140162, MedGen C0027672, MeSH D009386, MONDO:0015356.

Submission:

Ambry Genetics
Classification: Uncertain significance for Hereditary cancer-predisposing syndrome. Last evaluated: 2022-09-18. Review status: criteria provided, single submitter. Criteria: Ambry Variant Classification Scheme 2023. Collection method: clinical testing. Allele origin: germline.
Comment: The p.N367T variant (also known as c.1100A>C), located in coding exon 8 of the BMPR1A gene, results from an A to C substitution at nucleotide position 1100. The asparagine at codon 367 is replaced by threonine, an amino acid with similar properties. This amino acid position is conserved. In addition, this alteration is predicted to be deleterious by in silico analysis. Since supporting evidence is limited at this time, the clinical significance of this alteration remains unclear.

NM_004329.3(BMPR1A):c.1100A>C (p.Asn367Thr)

Gene: BMPR1A (bone morphogenetic protein receptor type 1A; plus strand). Cytogenetic location: 10q23.2.
Variant type: single nucleotide variant.
Coding change: c.1100A>C on transcript NM_004329.3 (MANE Select); coding-DNA position 1100, A replaced by C.
Protein change: p.Asn367Thr; replaces asparagine 367 with threonine.
Molecular consequence: missense variant.
Genome position (GRCh38, 1-based): chr10:86,919,403, A>C. VCF-style: chr10-86919403-A-C. GRCh37 (hg19) VCF-style: chr10-88679160-A-C.
Other names: c.1175A>C, p.Asn392Thr (NM_001406559.1); c.1148A>C, p.Asn383Thr (NM_001406560.1); c.1100A>C, p.Asn367Thr (NM_001406561.1, NM_001406562.1, NM_001406563.1 and 19 more transcripts); c.1094A>C, p.Asn365Thr (NM_001406583.1); c.1016A>C, p.Asn339Thr (NM_001406584.1, NM_001406585.1, NM_001406586.1 and 2 more transcripts); c.758A>C, p.Asn253Thr (NM_001406589.1); short protein forms N253T, N392T, N365T, N367T, N383T, N339T.
Identifiers: ClinVar variation 1792247 (VCV001792247.2), dbSNP rs2539622521, ClinGen allele CA377460876.